The following is an entry in ClinVar:

ClinVar aggregate classification (germline): Likely benign. Review status: criteria provided, single submitter (1 of 4 stars). 2 submissions from 2 submitters: Likely benign (1). 1 of the submissions does not count toward it. Last evaluated 2026-01-19.

Conditions:
CUBN-related disorder. Also called: CUBN-related condition.
Imerslund-Grasbeck syndrome. Also called: Megaloblastic anemia due to inborn errors of metabolism; Imerslund-Gräsbeck syndrome; ENTEROCYTE COBALAMIN MALABSORPTION; ENTEROCYTE INTRINSIC FACTOR RECEPTOR, DEFECT OF; PERNICIOUS ANEMIA, JUVENILE, DUE TO SELECTIVE INTESTINAL MALABSORPTION OF VITAMIN B12, WITH PROTEINURIA. Identifiers: Orphanet 35858, MedGen C4551825, MONDO:0009853.

Allele frequency attached by ClinVar (database versions not stated): gnomAD 0.00003; ExAC 0.00007; 1000 Genomes Project 30x 0.00016; 1000 Genomes Project 0.00020.
gnomAD v4.1: 54 of 1,614,068 alleles (0.0033%); highest among the groups gnomAD compares: South Asian, 0.032%; 1 homozygote.

Submissions (2):

Labcorp Genetics (formerly Invitae), Labcorp
Classification: Likely benign for Imerslund-Grasbeck syndrome. Last evaluated: 2026-01-19. Review status: criteria provided, single submitter. Criteria: Invitae Variant Classification Sherloc (09022015). Collection method: clinical testing. Allele origin: germline.

PreventionGenetics, part of Exact Sciences
Classification: Likely benign for CUBN-related condition. Last evaluated: 2024-08-23. Review status: no assertion criteria provided. Collection method: clinical testing. Allele origin: germline. Not counted in ClinVar's aggregate classification.
Comment: This variant is classified as likely benign based on ACMG/AMP sequence variant interpretation guidelines (Richards et al. 2015 PMID: 25741868, with internal and published modifications).

NM_001081.4(CUBN):c.9216C>T (p.Asp3072=)

Gene: CUBN (cubilin; minus strand). Cytogenetic location: 10p13.
Variant type: single nucleotide variant.
Coding change: c.9216C>T on transcript NM_001081.4 (MANE Select); coding-DNA position 9216, C replaced by T.
Protein change: p.Asp3072=; no amino-acid change (aspartic acid 3072 retained).
Molecular consequence: synonymous variant.
Genome position (GRCh38, 1-based): chr10:16,874,394, G>A on the plus strand (C>T on the coding strand, the complement: CUBN is on the minus strand). VCF-style: chr10-16874394-G-A. GRCh37 (hg19) VCF-style: chr10-16916393-G-A.
Identifiers: ClinVar variation 2143791 (VCV002143791.5), dbSNP rs200089816, ClinGen allele CA5422784.
Genomic context (GRCh38, chr10:16,874,394, plus strand): 5'-TGAAAGGATTTTCTTAAGAAAGCCAATTTGTCTTACGTACTTGAGCTCGATCACCTTGTC[G>A]TCACTAACGGTGATGGTATACAGACAGTGCATATCATTTGGGTAGTCTGCGTATGAATAG-3'
Protein context (NP_001072.2, residues 3062-3082): MHCLYTITVS[Asp3072=]DKVIELKFSD